The following is an entry in ClinVar:

ClinVar aggregate classification (germline): Uncertain significance (1 of 4 stars; one submission).

Allele frequency attached by ClinVar (database versions not stated): gnomAD 0.00001; gnomAD exomes 0.00001 and 0.00002; ExAC 0.00003.
gnomAD v4.1: 20 of 1,599,574 alleles (0.0013%); highest among the groups gnomAD compares: Non-Finnish European, 0.0015%; no homozygotes.

Submission:

Labcorp Genetics (formerly Invitae), Labcorp
Classification: Uncertain significance. Last evaluated: 2022-01-13. Review status: criteria provided, single submitter. Criteria: Invitae Variant Classification Sherloc (09022015). Collection method: clinical testing. Allele origin: germline.
Comment: In summary, the available evidence is currently insufficient to determine the role of this variant in disease. Therefore, it has been classified as a Variant of Uncertain Significance. Algorithms developed to predict the effect of missense changes on protein structure and function are either unavailable or do not agree on the potential impact of this missense change (SIFT: "Not Available"; PolyPhen-2: "Probably Damaging"; Align-GVGD: "Not Available"). This variant has not been reported in the literature in individuals affected with SEC24D-related conditions. The frequency data for this variant in the population databases is considered unreliable, as metrics indicate poor data quality at this position in the gnomAD database. This sequence change replaces arginine, which is basic and polar, with histidine, which is basic and polar, at codon 694 of the SEC24D protein (p.Arg694His).

NM_014822.4(SEC24D):c.2081G>A (p.Arg694His)

Gene: SEC24D (SEC24 homolog D, COPII coat complex component; minus strand). Cytogenetic location: 4q26.
Variant type: single nucleotide variant.
Coding change: c.2081G>A on transcript NM_014822.4 (MANE Select); coding-DNA position 2081, G replaced by A.
Protein change: p.Arg694His; replaces arginine 694 with histidine.
Molecular consequence: missense variant.
Genome position (GRCh38, 1-based): chr4:118,740,952, C>T on the plus strand (G>A on the coding strand, the complement: SEC24D is on the minus strand). VCF-style: chr4-118740952-C-T. GRCh37 (hg19) VCF-style: chr4-119662107-C-T.
Other names: c.2084G>A, p.Arg695His (NM_001318066.2); short protein forms R694H, R695H.
Identifiers: ClinVar variation 1423503 (VCV001423503.6), dbSNP rs751218033, ClinGen allele CA3057076.